The following is an entry in ClinVar:

ClinVar aggregate classification (germline): Uncertain significance (1 of 4 stars; one submission).

gnomAD v4.1: 1 of 1,568,098 alleles (0.000064%); highest among the groups gnomAD compares: East Asian, 0.0024%; no homozygotes.

Submission:

Dasa
Classification: Uncertain significance. Last evaluated: 2024-06-25. Review status: criteria provided, single submitter. Criteria: DASA Assertion Criteria. Collection method: clinical testing. Allele origin: germline.
Comment: NM_001378452.1(ITPR1):c.289G>A (p.Asp97Asn) is a missense variant that results in the substitution of aspartic acid with asparagine. This variant is rare in population databases. The currently available literature and clinical evidence are not sufficient to establish a definitive association between this variant and the reported condition. Therefore, this variant is classified as a variant of uncertain significance.

NM_001378452.1(ITPR1):c.289G>A (p.Asp97Asn)

Gene: ITPR1 (inositol 1,4,5-trisphosphate receptor type 1; plus strand). Cytogenetic location: 3p26.1.
Variant type: single nucleotide variant.
Coding change: c.289G>A on transcript NM_001378452.1 (MANE Select); coding-DNA position 289, G replaced by A.
Protein change: p.Asp97Asn; replaces aspartic acid 97 with asparagine.
Molecular consequence: missense variant.
Genome position (GRCh38, 1-based): chr3:4,639,393, G>A. VCF-style: chr3-4639393-G-A. GRCh37 (hg19) VCF-style: chr3-4681077-G-A.
Other names: c.289G>A, p.Asp97Asn (NM_001099952.4, NM_001168272.2, NM_002222.7); short protein forms D97N.
Identifiers: ClinVar variation 4882115 (VCV004882115.2).
Genomic context (GRCh38, chr3:4,639,393, plus strand): 5'-ATAGAACACATGGTTTCCTCTTTGTGATCAATCTTTCTTCTCAATGCACAGCACGCTGCA[G>A]ACTTGGAAAAGAAGCAGAATGAGACAGAAAACAGGAAATTGCTGGGGACCGTAATCCAGT-3'
Protein context (NP_001365381.1, residues 87-107): VLLNKLHHAA[Asp97Asn]LEKKQNETEN